The following is an entry in ClinVar:

ClinVar aggregate classification (germline): Uncertain significance. Review status: criteria provided, multiple submitters, no conflicts (2 of 4 stars). 9 submissions from 5 submitters: Uncertain significance (9). Last evaluated 2025-04-18.

Conditions:
Hypokalemic periodic paralysis, type 2 (HOKPP2). Identifiers: Orphanet 681, MedGen C2750061, MONDO:0013234, OMIM 613345.
Congenital myopathy 22A, classic (CMYO22A). Identifiers: MedGen C5830453, MONDO:0957247, OMIM 620351.
Congenital myopathy 22B, severe fetal (CMYO22B). Identifiers: MedGen C5830501, MONDO:0957265, OMIM 620369.
Congenital myasthenic syndrome 16. Identifiers: Orphanet 590, MedGen C3280112, MONDO:0013620, OMIM 614198.
Paramyotonia congenita of Von Eulenburg. Also called: Paramyotonia Congenita; PARALYSIS PERIODICA PARAMYOTONICA; Eulenburg disease; Myotonia congenita intermittens; Von Eulenburg paramyotonia congenita. Identifiers: Orphanet 684, MedGen C0221055, MONDO:0008195, OMIM 168300. Disease mechanism: loss of function.
Hyperkalemic periodic paralysis. Also called: Familial hyperkalemic periodic paralysis; Gamstorp disease. Identifiers: Orphanet 682, MedGen C0238357, MONDO:0008224, OMIM 170500, HP:0007215.
Potassium-aggravated myotonia. Also called: Myotonia congenita, atypical, acetazolamide-responsive; MYOTONIA CONGENITA, ACETAZOLAMIDE-RESPONSIVE; MYOTONIA CONGENITA, ATYPICAL; SODIUM CHANNEL MUSCLE DISEASE. Identifiers: Orphanet 612, Orphanet 99734, Orphanet 99735, Orphanet 99736, MedGen C2931826, MONDO:0018959, OMIM 608390.

Allele frequency attached by ClinVar (database versions not stated): gnomAD 0.00001; TOPMed 0.00002; gnomAD exomes 0.00001; ExAC 0.00001.
gnomAD v4.1: 20 of 1,593,422 alleles (0.0013%); highest among the groups gnomAD compares: Non-Finnish European, 0.0015%; no homozygotes.

Submissions (9):

Labcorp Genetics (formerly Invitae), Labcorp
Classification: Uncertain significance for Hyperkalemic periodic paralysis. Last evaluated: 2025-04-18. Review status: criteria provided, single submitter. Criteria: Invitae Variant Classification Sherloc (09022015). Collection method: clinical testing. Allele origin: germline.
Comment: This sequence change replaces valine, which is neutral and non-polar, with methionine, which is neutral and non-polar, at codon 1442 of the SCN4A protein (p.Val1442Met). This variant is present in population databases (rs774452124, gnomAD 0.004%). This missense change has been observed in individual(s) with sudden infant death syndrome (PMID: 29605429). ClinVar contains an entry for this variant (Variation ID: 324517). Invitae Evidence Modeling of protein sequence and biophysical properties (such as structural, functional, and spatial information, amino acid conservation, physicochemical variation, residue mobility, and thermodynamic stability) indicates that this missense variant is expected to disrupt SCN4A protein function with a positive predictive value of 80%. Experimental studies have shown that this missense change affects SCN4A function (PMID: 29605429). In summary, the available evidence is currently insufficient to determine the role of this variant in disease. Therefore, it has been classified as a Variant of Uncertain Significance.

Blueprint Genetics
Classification: Uncertain significance. Last evaluated: 2024-07-02. Review status: criteria provided, single submitter. Criteria: ACMG Guidelines, 2015. Collection method: clinical testing. Allele origin: germline.

Fulgent Genetics
Classification: Uncertain significance for Paramyotonia congenita of Von Eulenburg; Hyperkalemic periodic paralysis; Potassium-aggravated myotonia; Hypokalemic periodic paralysis, type 2; Congenital myasthenic syndrome 16; Congenital myopathy 22A, classic; Congenital myopathy 22B, severe fetal. Last evaluated: 2024-03-08. Review status: criteria provided, single submitter. Criteria: ACMG Guidelines, 2015. Collection method: clinical testing. Allele origin: germline.

Revvity Omics, Revvity
Classification: Uncertain significance. Last evaluated: 2021-12-29. Review status: criteria provided, single submitter. Criteria: ACMG Guidelines, 2015. Collection method: clinical testing. Allele origin: germline.

Illumina Laboratory Services, Illumina
Classification: Uncertain significance for Congenital myasthenic syndrome 16. Last evaluated: 2018-01-13. Review status: criteria provided, single submitter. Criteria: ICSL Variant Classification Criteria 13 December 2019. Collection method: clinical testing. Allele origin: germline.

Illumina Laboratory Services, Illumina
Classification: Uncertain significance for Hyperkalemic periodic paralysis. Last evaluated: 2018-01-13. Review status: criteria provided, single submitter. Criteria: ICSL Variant Classification Criteria 13 December 2019. Collection method: clinical testing. Allele origin: germline.

Illumina Laboratory Services, Illumina
Classification: Uncertain significance for Potassium-aggravated myotonia. Last evaluated: 2018-01-13. Review status: criteria provided, single submitter. Criteria: ICSL Variant Classification Criteria 13 December 2019. Collection method: clinical testing. Allele origin: germline.

Illumina Laboratory Services, Illumina
Classification: Uncertain significance for Paramyotonia congenita of Von Eulenburg. Last evaluated: 2018-01-13. Review status: criteria provided, single submitter. Criteria: ICSL Variant Classification Criteria 13 December 2019. Collection method: clinical testing. Allele origin: germline.

Illumina Laboratory Services, Illumina
Classification: Uncertain significance for Hypokalemic periodic paralysis, type 2. Last evaluated: 2018-01-13. Review status: criteria provided, single submitter. Criteria: ICSL Variant Classification Criteria 13 December 2019. Collection method: clinical testing. Allele origin: germline.

Literature cited by the submitters: PubMed 29605429 (cited by Labcorp Genetics (formerly Invitae), Labcorp).

NM_000334.4(SCN4A):c.4324G>A (p.Val1442Met)

Genes: GH-LCR (growth hormone locus control region; plus strand), SCN4A (sodium voltage-gated channel alpha subunit 4; minus strand). Cytogenetic location: 17q23.3.
Variant type: single nucleotide variant.
Coding change: c.4324G>A on transcript NM_000334.4 (MANE Select); coding-DNA position 4324, G replaced by A.
Protein change: p.Val1442Met; replaces valine 1442 with methionine.
Molecular consequence: missense variant.
Genome position (GRCh38, 1-based): chr17:63,941,958, C>T on the plus strand (G>A on the coding strand, the complement: SCN4A is on the minus strand). VCF-style: chr17-63941958-C-T. GRCh37 (hg19) VCF-style: chr17-62019318-C-T.
Other names: short protein forms V1442M.
Identifiers: ClinVar variation 324517 (VCV000324517.15), dbSNP rs774452124, ClinGen allele CA8708993.
Genomic context (GRCh38, chr17:63,941,958, plus strand): 5'-TCAGCCGCAGGACACGCCCAATCCGCGCCAGGCGGATCACACGGAACAGCGTGGGTGACA[C>T]GAAGTACTTCTGGATCAGGTCAGAGAGGGCAAGGCCTGCGGGGAGAAGCTAGTGAGGACG-3'
Protein context (NP_000325.4, residues 1432-1452): ALSDLIQKYF[Val1442Met]SPTLFRVIRL